The following is an entry in ClinVar:

NM_007194.4(CHEK2):c.842A>T (p.Asn281Ile)

Gene: CHEK2 (checkpoint kinase 2; minus strand). Cytogenetic location: 22q12.1.
Variant type: single nucleotide variant.
Coding change: c.842A>T on transcript NM_007194.4 (MANE Select); coding-DNA position 842, A replaced by T.
Protein change: p.Asn281Ile; replaces asparagine 281 with isoleucine.
Molecular consequence: missense variant.
Genome position (GRCh38, 1-based): chr22:28,710,010, T>A on the plus strand (A>T on the coding strand, the complement: CHEK2 is on the minus strand). VCF-style: chr22-28710010-T-A. GRCh37 (hg19) VCF-style: chr22-29105998-T-A.
Other names: c.971A>T, p.Asn324Ile (NM_001005735.3, NM_001438294.1); c.179A>T, p.Asn60Ile (NM_001257387.3, NM_001437942.1); c.641A>T, p.Asn214Ile (NM_001349956.3); c.935A>T, p.Asn312Ile (NM_001438293.1, NM_001438295.1); c.842A>T, p.Asn281Ile (NM_145862.3); short protein forms N312I, N324I, N214I, N281I, N60I.
Identifiers: ClinVar variation 4227998 (VCV004227998.1).

ClinVar aggregate classification (germline): Uncertain significance (1 of 4 stars; one submission).

Conditions:
Hereditary cancer-predisposing syndrome. Also called: Hereditary Cancer Syndrome; Hereditary neoplastic syndrome; Neoplastic Syndromes, Hereditary; Tumor predisposition. Identifiers: Orphanet 140162, MedGen C0027672, MeSH D009386, MONDO:0015356.

Submission:

Ambry Genetics
Classification: Uncertain significance for Hereditary cancer-predisposing syndrome. Last evaluated: 2025-07-07. Review status: criteria provided, single submitter. Criteria: Ambry Variant Classification Scheme 2023. Collection method: clinical testing. Allele origin: germline.
Comment: The p.N281I variant (also known as c.842A>T), located in coding exon 6 of the CHEK2 gene, results from an A to T substitution at nucleotide position 842. The asparagine at codon 281 is replaced by isoleucine, an amino acid with dissimilar properties. This amino acid position is well conserved in available vertebrate species. In addition, this alteration is predicted to be tolerated by in silico analysis. Based on the available evidence, the clinical significance of this variant remains unclear.